The following is an entry in ClinVar:

ClinVar aggregate classification (germline): Uncertain significance (1 of 4 stars; one submission).

Submission:

GeneDx
Classification: Uncertain significance. Last evaluated: 2019-11-02. Review status: criteria provided, single submitter. Criteria: GeneDx Variant Classification Process June 2021. Collection method: clinical testing. Allele origin: germline. Affected: yes.
Comment: Not observed in large population cohorts (Lek et al., 2016); In silico analysis, which includes protein predictors and evolutionary conservation, supports a deleterious effect; Has not been previously published as pathogenic or benign to our knowledge

NM_182925.5(FLT4):c.3175G>C (p.Ala1059Pro)

Gene: FLT4 (fms related receptor tyrosine kinase 4; minus strand). Cytogenetic location: 5q35.3.
Variant type: single nucleotide variant.
Coding change: c.3175G>C on transcript NM_182925.5 (MANE Select); coding-DNA position 3175, G replaced by C.
Protein change: p.Ala1059Pro; replaces alanine 1059 with proline.
Molecular consequence: missense variant.
Genome position (GRCh38, 1-based): chr5:180,616,411, C>G on the plus strand (G>C on the coding strand, the complement: FLT4 is on the minus strand). VCF-style: chr5-180616411-C-G. GRCh37 (hg19) VCF-style: chr5-180043411-C-G.
Other names: c.3175G>C, p.Ala1059Pro (NM_001354989.2, NM_002020.5); short protein forms A1059P.
Identifiers: ClinVar variation 1309785 (VCV001309785.2), dbSNP rs2127802287, ClinGen allele CA362500465.
Genomic context (GRCh38, chr5:180,616,411, plus strand): 5'-AATGGCCTGCACTCACACTGCCCTTGCGGACGTAGTCGGGGTCTTTGTAGATGTCCCGGG[C>G]AAGGCCAAAGTCACAGATCTTCACCACGTCGCTTTCCGACAGCAGAATGTTCCGAGCAGC-3'
Protein context (NP_891555.2, residues 1049-1069): DVVKICDFGL[Ala1059Pro]RDIYKDPDYV